The following is an entry in ClinVar:

NM_001244710.2(GFPT1):c.1183A>G (p.Ser395Gly)

Gene: GFPT1 (glutamine--fructose-6-phosphate transaminase 1; minus strand). Cytogenetic location: 2p13.3.
Variant type: single nucleotide variant.
Coding change: c.1183A>G on transcript NM_001244710.2 (MANE Select); coding-DNA position 1183, A replaced by G.
Protein change: p.Ser395Gly; replaces serine 395 with glycine.
Molecular consequence: missense variant.
Genome position (GRCh38, 1-based): chr2:69,342,172, T>C on the plus strand (A>G on the coding strand, the complement: GFPT1 is on the minus strand). VCF-style: chr2-69342172-T-C. GRCh37 (hg19) VCF-style: chr2-69569304-T-C.
Other names: c.1129A>G, p.Ser377Gly (NM_002056.4); short protein forms S377G, S395G.
Identifiers: ClinVar variation 473125 (VCV000473125.6), dbSNP rs1553388422, ClinGen allele CA347125300.

ClinVar aggregate classification (germline): Uncertain significance (1 of 4 stars; one submission).

Conditions:
Congenital myasthenic syndrome 12 (CMS12). Also called: MYASTHENIC SYNDROME, CONGENITAL, WITH TUBULAR AGGREGATES 1; Myasthenia, congenital, 12, with tubular aggregates. Identifiers: Orphanet 353327, Orphanet 590, MedGen C3552335, MONDO:0012518, OMIM 610542.

Submission:

Labcorp Genetics (formerly Invitae), Labcorp
Classification: Uncertain significance for Congenital myasthenic syndrome 12. Last evaluated: 2021-08-27. Review status: criteria provided, single submitter. Criteria: Invitae Variant Classification Sherloc (09022015). Collection method: clinical testing. Allele origin: germline.
Comment: This sequence change replaces serine with glycine at codon 395 of the GFPT1 protein (p.Ser395Gly). The serine residue is highly conserved and there is a small physicochemical difference between serine and glycine. This variant is not present in population databases (ExAC no frequency). This variant has not been reported in the literature in individuals affected with GFPT1-related conditions. Algorithms developed to predict the effect of missense changes on protein structure and function (SIFT, PolyPhen-2, Align-GVGD) all suggest that this variant is likely to be disruptive. Algorithms developed to predict the effect of sequence changes on RNA splicing suggest that this variant may create or strengthen a splice site. In summary, the available evidence is currently insufficient to determine the role of this variant in disease. Therefore, it has been classified as a Variant of Uncertain Significance.